The following is an entry in ClinVar:

NC_000020.10:g.(?_39316519)_(39317490_?)del

Gene: MAFB (MAF bZIP transcription factor B; minus strand). Cytogenetic location: 20q12.
Variant type: Deletion.
Identifiers: ClinVar variation 1386827 (VCV001386827.5).

ClinVar aggregate classification (germline): Pathogenic (1 of 4 stars; one submission).

Submission:

Labcorp Genetics (formerly Invitae), Labcorp
Classification: Pathogenic. Last evaluated: 2021-08-04. Review status: criteria provided, single submitter. Criteria: Invitae Variant Classification Sherloc (09022015). Collection method: clinical testing. Allele origin: germline.
Comment: A gross deletion of the genomic region encompassing the full coding sequence of the MAFB gene has been identified. Loss-of-function variants in MAFB are known to be pathogenic (PMID: 27181683). The boundaries of this event are unknown as they extend beyond the assayed region for this gene and therefore may encompass additional genes. A similar copy number variant has been observed in individual(s) with Duane retraction syndrome (PMID: 27181683). It has also been observed to segregate with disease in related individuals. Algorithms developed to predict the effect of variants on protein structure and function are not available or were not evaluated for this variant. Experimental studies have shown that a similar copy number variant affects MAFB protein function (PMID: 27181683). For these reasons, this variant has been classified as Pathogenic.

Literature cited by the submitters: PubMed 27181683.